The following is an entry in ClinVar:

ClinVar aggregate classification (germline): Uncertain significance. Review status: criteria provided, multiple submitters, no conflicts (2 of 4 stars). 6 submissions from 6 submitters: Uncertain significance (6). Last evaluated 2025-11-23.

Conditions:
Hereditary cancer-predisposing syndrome. Also called: Tumor predisposition; Neoplastic Syndromes, Hereditary; Hereditary neoplastic syndrome; Hereditary Cancer Syndrome. Identifiers: Orphanet 140162, MedGen C0027672, MeSH D009386, MONDO:0015356.
Familial cancer of breast. Also called: Hereditary breast cancer; hereditary breast carcinoma; BREAST CANCER, FAMILIAL. Identifiers: Orphanet 227535, MedGen C0346153, MONDO:0016419, OMIM 114480. Disease mechanism: loss of function.

Allele frequency attached by ClinVar (database versions not stated): gnomAD 0.00001.

Submissions (6):

Labcorp Genetics (formerly Invitae), Labcorp
Classification: Uncertain significance for Familial cancer of breast. Last evaluated: 2025-11-23. Review status: criteria provided, single submitter. Criteria: Invitae Variant Classification Sherloc (09022015). Collection method: clinical testing. Allele origin: germline.
Comment: This sequence change replaces alanine, which is neutral and non-polar, with valine, which is neutral and non-polar, at codon 136 of the BARD1 protein (p.Ala136Val). This variant is not present in population databases (gnomAD no frequency). This variant has not been reported in the literature in individuals affected with BARD1-related conditions. ClinVar contains an entry for this variant (Variation ID: 495877). An algorithm developed to predict the effect of missense changes on protein structure and function (PolyPhen-2) suggests that this variant is likely to be tolerated. In summary, the available evidence is currently insufficient to determine the role of this variant in disease. Therefore, it has been classified as a Variant of Uncertain Significance.

Color Diagnostics, LLC DBA Color Health
Classification: Uncertain significance for Hereditary cancer-predisposing syndrome. Last evaluated: 2024-09-09. Review status: criteria provided, single submitter. Criteria: ACMG Guidelines, 2015. Collection method: clinical testing. Allele origin: germline.
Comment: This missense variant replaces alanine with valine at codon 136 of the BARD1 protein. Computational prediction suggests that this variant may not impact protein structure and function. To our knowledge, functional studies have not been reported for this variant. This variant has not been reported in individuals affected with hereditary cancer in the literature. This variant has not been identified in the general population by the Genome Aggregation Database (gnomAD). The available evidence is insufficient to determine the role of this variant in disease conclusively. Therefore, this variant is classified as a Variant of Uncertain Significance.

Baylor Genetics
Classification: Uncertain significance for Familial cancer of breast. Last evaluated: 2024-02-19. Review status: criteria provided, single submitter. Criteria: ACMG Guidelines, 2015. Collection method: clinical testing. Allele origin: unknown.

Ambry Genetics
Classification: Uncertain significance for Hereditary cancer-predisposing syndrome. Last evaluated: 2023-12-04. Review status: criteria provided, single submitter. Criteria: Ambry Variant Classification Scheme 2023. Collection method: clinical testing. Allele origin: germline.
Comment: The p.A136V variant (also known as c.407C>T), located in coding exon 4 of the BARD1 gene, results from a C to T substitution at nucleotide position 407. The alanine at codon 136 is replaced by valine, an amino acid with similar properties. This amino acid position is not well conserved in available vertebrate species. In addition, this alteration is predicted to be tolerated by in silico analysis. Since supporting evidence is limited at this time, the clinical significance of this alteration remains unclear.

Quest Diagnostics Nichols Institute San Juan Capistrano
Classification: Uncertain significance. Last evaluated: 2022-10-21. Review status: criteria provided, single submitter. Criteria: Quest Diagnostics criteria. Collection method: clinical testing. Allele origin: unknown.
Comment: This variant has not been reported in the published literature. The frequency of this variant in the general population, 0.0000066 (1/151972 chromosomes), is uninformative in assessment of its pathogenicity. Analysis of this variant using bioinformatics tools for the prediction of the effect of amino acid changes on protein structure and function yielded predictions that this variant is benign. Based on the available information, we are unable to determine the clinical significance of this variant.

Women's Health and Genetics/Laboratory Corporation of America, LabCorp
Classification: Uncertain significance. Last evaluated: 2017-03-13. Review status: criteria provided, single submitter. Criteria: LabCorp Variant Classification Summary - May 2015. Collection method: clinical testing. Allele origin: germline.
Comment: Variant summary: The BARD1 c.407C>T (p.Ala136Val) variant involves the alteration of a non-conserved nucleotide. 3/4 in silico tools predict a benign outcome for this variant (SNPs&GO not captured due to low reliability index). This variant is absent in 120226 control chromosomes. The variant of interest has not, to our knowledge, been reported in affected individuals via publications and/or reputable databases/clinical diagnostic laboratories; nor evaluated for functional impact by in vivo/vitro studies. Because of the absence of clinical information and the lack of functional studies, the variant is classified as a variant of uncertain significance (VUS) until additional information becomes available.

NM_000465.4(BARD1):c.407C>T (p.Ala136Val)

Gene: BARD1 (BRCA1 associated RING domain 1; minus strand). Cytogenetic location: 2q35.
Variant type: single nucleotide variant.
Coding change: c.407C>T on transcript NM_000465.4 (MANE Select); coding-DNA position 407, C replaced by T.
Protein change: p.Ala136Val; replaces alanine 136 with valine.
Molecular consequence: missense variant. On other transcripts: non-coding transcript variant (2), intron variant (3).
Genome position (GRCh38, 1-based): chr2:214,781,467, G>A on the plus strand (C>T on the coding strand, the complement: BARD1 is on the minus strand). VCF-style: chr2-214781467-G-A. GRCh37 (hg19) VCF-style: chr2-215646191-G-A.
Other names: c.350C>T, p.Ala117Val (NM_001282543.2); c.158+27945C>T (NM_001282548.2); c.215+15594C>T (NM_001282545.2); c.364+10830C>T (NM_001282549.2); short protein forms A136V, A117V.
Identifiers: ClinVar variation 495877 (VCV000495877.19), dbSNP rs1553622698, ClinGen allele CA350458012.